The following is an entry in ClinVar:

ClinVar aggregate classification (germline): Uncertain significance (1 of 4 stars; one submission).

Conditions:
Gorlin syndrome. Also called: Basal cell nevus syndrome; Nevoid Basal Cell Carcinoma Syndrome. Identifiers: Orphanet 377, MedGen C0004779, MONDO:0007187.
Medulloblastoma (MDB). Also called: MEDULLOBLASTOMA PREDISPOSITION SYNDROME; Medulloblastoma, somatic. Identifiers: Orphanet 616, MedGen C0025149, MeSH D008527, MONDO:0007959, OMIM 155255, HP:0002885.

Submission:

Labcorp Genetics (formerly Invitae), Labcorp
Classification: Uncertain significance for Gorlin syndrome; Medulloblastoma. Last evaluated: 2024-04-22. Review status: criteria provided, single submitter. Criteria: Invitae Variant Classification Sherloc (09022015). Collection method: clinical testing. Allele origin: germline.
Comment: This sequence change replaces glycine, which is neutral and non-polar, with alanine, which is neutral and non-polar, at codon 117 of the SUFU protein (p.Gly117Ala). This variant is not present in population databases (gnomAD no frequency). This variant has not been reported in the literature in individuals affected with SUFU-related conditions. ClinVar contains an entry for this variant (Variation ID: 579248). Advanced modeling of protein sequence and biophysical properties (such as structural, functional, and spatial information, amino acid conservation, physicochemical variation, residue mobility, and thermodynamic stability) performed at Invitae indicates that this missense variant is expected to disrupt SUFU protein function with a positive predictive value of 80%. In summary, the available evidence is currently insufficient to determine the role of this variant in disease. Therefore, it has been classified as a Variant of Uncertain Significance.

NM_016169.4(SUFU):c.350G>C (p.Gly117Ala)

Gene: SUFU (SUFU negative regulator of hedgehog signaling; plus strand). Cytogenetic location: 10q24.32.
Variant type: single nucleotide variant.
Coding change: c.350G>C on transcript NM_016169.4 (MANE Select); coding-DNA position 350, G replaced by C.
Protein change: p.Gly117Ala; replaces glycine 117 with alanine.
Molecular consequence: missense variant.
Genome position (GRCh38, 1-based): chr10:102,550,002, G>C. VCF-style: chr10-102550002-G-C. GRCh37 (hg19) VCF-style: chr10-104309759-G-C.
Other names: c.350G>C, p.Gly117Ala (NM_001178133.2); short protein forms G117A.
Identifiers: ClinVar variation 579248 (VCV000579248.11), dbSNP rs1564676348, ClinGen allele CA377903135.